The following is an entry in ClinVar:

NM_001286.5(CLCN6):c.1336C>T (p.Gln446Ter)

Gene: CLCN6 (chloride voltage-gated channel 6; plus strand). Cytogenetic location: 1p36.22.
Variant type: single nucleotide variant.
Coding change: c.1336C>T on transcript NM_001286.5 (MANE Select); coding-DNA position 1336, C replaced by T.
Protein change: p.Gln446Ter; replaces glutamine 446 with a stop codon.
Molecular consequence: nonsense. On other transcripts: non-coding transcript variant (1).
Genome position (GRCh38, 1-based): chr1:11,833,602, C>T. VCF-style: chr1-11833602-C-T. GRCh37 (hg19) VCF-style: chr1-11893659-C-T.
Other names: c.1270C>T, p.Gln424Ter (NM_001256959.2); short protein forms Q446*, Q424*.
Identifiers: ClinVar variation 2053226 (VCV002053226.4), dbSNP rs377246490, ClinGen allele CA596430.

ClinVar aggregate classification (germline): Uncertain significance (1 of 4 stars; one submission).

Allele frequency attached by ClinVar (database versions not stated): gnomAD exomes below 0.00001; ExAC 0.00001; TOPMed 0.00001; gnomAD 0.00002; ESP Exome Variant Server 0.00008.
gnomAD v4.1: 5 of 1,613,842 alleles (0.00031%); highest among the groups gnomAD compares: African/African-American, 0.004%; no homozygotes.

Submission:

Labcorp Genetics (formerly Invitae), Labcorp
Classification: Uncertain significance. Last evaluated: 2021-12-22. Review status: criteria provided, single submitter. Criteria: Invitae Variant Classification Sherloc (09022015). Collection method: clinical testing. Allele origin: germline.
Comment: This sequence change creates a premature translational stop signal (p.Gln446*) in the CLCN6 gene. It is expected to result in an absent or disrupted protein product. However, the current clinical and genetic evidence is not sufficient to establish whether loss-of-function variants in CLCN6 cause disease. This variant is present in population databases (rs377246490, gnomAD 0.008%). This variant has not been reported in the literature in individuals affected with CLCN6-related conditions. Algorithms developed to predict the effect of sequence changes on RNA splicing suggest that this variant may create or strengthen a splice site. In summary, the available evidence is currently insufficient to determine the role of this variant in disease. Therefore, it has been classified as a Variant of Uncertain Significance.